The following is an entry in ClinVar:

ClinVar aggregate classification (germline): Uncertain significance. Review status: criteria provided, multiple submitters, no conflicts (2 of 4 stars). 3 submissions from 3 submitters: Uncertain significance (3). Last evaluated 2025-05-23.

Conditions:
Inborn genetic diseases. Identifiers: MedGen C0950123, MeSH D030342.

Allele frequency attached by ClinVar (database versions not stated): gnomAD exomes below 0.00001.
gnomAD v4.1: 4 of 1,614,030 alleles (0.00025%); highest among the groups gnomAD compares: Non-Finnish European, 0.00034%; no homozygotes.

Submissions (3):

Labcorp Genetics (formerly Invitae), Labcorp
Classification: Uncertain significance. Last evaluated: 2025-05-23. Review status: criteria provided, single submitter. Criteria: Invitae Variant Classification Sherloc (09022015). Collection method: clinical testing. Allele origin: germline.
Comment: This sequence change replaces threonine, which is neutral and polar, with serine, which is neutral and polar, at codon 332 of the SNRNP200 protein (p.Thr332Ser). This variant is not present in population databases (gnomAD no frequency). This variant has not been reported in the literature in individuals affected with SNRNP200-related conditions. ClinVar contains an entry for this variant (Variation ID: 2493748). Invitae Evidence Modeling of protein sequence and biophysical properties (such as structural, functional, and spatial information, amino acid conservation, physicochemical variation, residue mobility, and thermodynamic stability) indicates that this missense variant is not expected to disrupt SNRNP200 protein function with a negative predictive value of 95%. In summary, the available evidence is currently insufficient to determine the role of this variant in disease. Therefore, it has been classified as a Variant of Uncertain Significance.

Blueprint Genetics
Classification: Uncertain significance. Last evaluated: 2024-09-24. Review status: criteria provided, single submitter. Criteria: ACMG Guidelines, 2015. Collection method: clinical testing. Allele origin: germline.

Ambry Genetics
Classification: Uncertain significance for Inborn genetic diseases. Last evaluated: 2023-03-02. Review status: criteria provided, single submitter. Criteria: Ambry Variant Classification Scheme 2023. Collection method: clinical testing. Allele origin: germline.

NM_014014.5(SNRNP200):c.995C>G (p.Thr332Ser)

Gene: SNRNP200 (small nuclear ribonucleoprotein U5 subunit 200; minus strand). Cytogenetic location: 2q11.2.
Variant type: single nucleotide variant.
Coding change: c.995C>G on transcript NM_014014.5 (MANE Select); coding-DNA position 995, C replaced by G.
Protein change: p.Thr332Ser; replaces threonine 332 with serine.
Molecular consequence: missense variant.
Genome position (GRCh38, 1-based): chr2:96,298,408, G>C on the plus strand (C>G on the coding strand, the complement: SNRNP200 is on the minus strand). VCF-style: chr2-96298408-G-C. GRCh37 (hg19) VCF-style: chr2-96964146-G-C.
Other names: short protein forms T332S.
Identifiers: ClinVar variation 2493748 (VCV002493748.4), dbSNP rs2467351352, ClinGen allele CA347684487.